The following is an entry in ClinVar:

ClinVar aggregate classification (germline): Pathogenic (1 of 4 stars; one submission).

Conditions:
Primary ciliary dyskinesia. Also called: Ciliary dyskinesia. Identifiers: Orphanet 244, MedGen C0008780, MONDO:0016575, HP:0012265.

Submission:

Labcorp Genetics (formerly Invitae), Labcorp
Classification: Pathogenic for Primary ciliary dyskinesia. Last evaluated: 2020-12-14. Review status: criteria provided, single submitter. Criteria: Invitae Variant Classification Sherloc (09022015). Collection method: clinical testing. Allele origin: germline.
Comment: For these reasons, this variant has been classified as Pathogenic. This variant has not been reported in the literature in individuals with DNAH11-related conditions. This variant is not present in population databases (ExAC no frequency). This sequence change creates a premature translational stop signal (p.Ile2661Serfs*22) in the DNAH11 gene. It is expected to result in an absent or disrupted protein product. Loss-of-function variants in DNAH11 are known to be pathogenic (PMID: 18022865, 20513915, 22184204).

Literature cited by the submitters: PubMed 18022865; PubMed 20513915; PubMed 22184204.

NM_001277115.2(DNAH11):c.7981del (p.Ile2661fs)

Gene: DNAH11 (dynein axonemal heavy chain 11; plus strand). Cytogenetic location: 7p15.3.
Variant type: Deletion.
Coding change: c.7981del on transcript NM_001277115.2 (MANE Select); coding-DNA position 7981, one base deleted (A; older notation c.7981delA).
Protein change: p.Ile2661fs; shifts the reading frame from isoleucine 2661.
Molecular consequence: frameshift variant.
Genome position (GRCh38, 1-based): chr7:21,741,993, A deleted; the last of 3 consecutive A bases (chr7:21,741,991-21,741,993); deleting any one gives the same sequence. VCF-style (leftmost placement, unchanged base first): chr7-21741990-CA-C. GRCh37 (hg19) VCF-style: chr7-21781608-CA-C.
Other names: short protein forms I2661fs.
Identifiers: ClinVar variation 1453636 (VCV001453636.6), dbSNP rs2128490901, ClinGen allele CA2573142022.